The following is an entry in ClinVar:

ClinVar aggregate classification (germline): Uncertain significance (1 of 4 stars; one submission).

Conditions:
Bethlem myopathy 1A. Also called: MYOPATHY, BENIGN CONGENITAL, WITH CONTRACTURES; Bethlem myopathy 1; Bethlem Muscular Dystrophy. Identifiers: Orphanet 610, MedGen CN029274, MONDO:0024530, OMIM 158810.

gnomAD v4.1: 1 of 1,603,214 alleles (0.000062%); no homozygotes.

Submission:

Labcorp Genetics (formerly Invitae), Labcorp
Classification: Uncertain significance for Bethlem myopathy 1A. Last evaluated: 2025-11-15. Review status: criteria provided, single submitter. Criteria: Invitae Variant Classification Sherloc (09022015). Collection method: clinical testing. Allele origin: germline.
Comment: This sequence change replaces valine, which is neutral and non-polar, with methionine, which is neutral and non-polar, at codon 2429 of the COL6A3 protein (p.Val2429Met). This variant is not present in population databases (gnomAD no frequency). This variant has not been reported in the literature in individuals affected with COL6A3-related conditions. Invitae Evidence Modeling of protein sequence and biophysical properties (such as structural, functional, and spatial information, amino acid conservation, physicochemical variation, residue mobility, and thermodynamic stability) indicates that this missense variant is expected to disrupt COL6A3 protein function with a positive predictive value of 80%. In summary, the available evidence is currently insufficient to determine the role of this variant in disease. Therefore, it has been classified as a Variant of Uncertain Significance.

NM_004369.4(COL6A3):c.7285G>A (p.Val2429Met)

Gene: COL6A3 (collagen type VI alpha 3 chain; minus strand). Cytogenetic location: 2q37.3.
Variant type: single nucleotide variant.
Coding change: c.7285G>A on transcript NM_004369.4 (MANE Select); coding-DNA position 7285, G replaced by A.
Protein change: p.Val2429Met; replaces valine 2429 with methionine.
Molecular consequence: missense variant.
Genome position (GRCh38, 1-based): chr2:237,344,733, C>T on the plus strand (G>A on the coding strand, the complement: COL6A3 is on the minus strand). VCF-style: chr2-237344733-C-T. GRCh37 (hg19) VCF-style: chr2-238253376-C-T.
Other names: c.5464G>A, p.Val1822Met (NM_057166.5); c.6667G>A, p.Val2223Met (NM_057167.4); short protein forms V2223M, V2429M, V1822M.
Identifiers: ClinVar variation 4746790 (VCV004746790.1).